The following is an entry in ClinVar:

NM_015474.4(SAMHD1):c.188T>G (p.Val63Gly)

Gene: SAMHD1 (SAM and HD domain containing deoxynucleoside triphosphate triphosphohydrolase 1; minus strand). Cytogenetic location: 20q11.23.
Variant type: single nucleotide variant.
Coding change: c.188T>G on transcript NM_015474.4 (MANE Select); coding-DNA position 188, T replaced by G.
Protein change: p.Val63Gly; replaces valine 63 with glycine.
Molecular consequence: missense variant.
Genome position (GRCh38, 1-based): chr20:36,951,456, A>C on the plus strand (T>G on the coding strand, the complement: SAMHD1 is on the minus strand). VCF-style: chr20-36951456-A-C. GRCh37 (hg19) VCF-style: chr20-35579859-A-C.
Other names: c.188T>G, p.Val63Gly (NM_001363729.2, NM_001363733.2); short protein forms V63G.
Identifiers: ClinVar variation 1375829 (VCV001375829.5), dbSNP rs768245328, ClinGen allele CA9844817.
Genomic context (GRCh38, chr20:36,951,456, plus strand): 5'-GTCGCCGCCCTTCGCCCCTCAGCCCCTCCGGAGCCGCTACCTCGGATGTTCTTCAGCAGC[A>C]CCGGCTCTTCAAAGCCACCGCGCCTGAGGAAGGAGCACACCTGCTCCGGACCCCATGTCT-3'
Protein context (NP_056289.2, residues 53-73): FLRRGGFEEP[Val63Gly]LLKNIRENEI

ClinVar aggregate classification (germline): Uncertain significance (1 of 4 stars; one submission).

Conditions:
Aicardi-Goutieres syndrome 5. Identifiers: Orphanet 51, MedGen C2749659, MONDO:0013059, OMIM 612952.

Allele frequency attached by ClinVar (database versions not stated): gnomAD exomes below 0.00001 and 0.00001; ExAC 0.00002.

Submission:

Labcorp Genetics (formerly Invitae), Labcorp
Classification: Uncertain significance for Aicardi-Goutieres syndrome 5. Last evaluated: 2021-08-27. Review status: criteria provided, single submitter. Criteria: Invitae Variant Classification Sherloc (09022015). Collection method: clinical testing. Allele origin: germline.
Comment: This sequence change replaces valine with glycine at codon 63 of the SAMHD1 protein (p.Val63Gly). The valine residue is weakly conserved and there is a moderate physicochemical difference between valine and glycine. This variant is present in population databases (rs768245328, ExAC 0.003%). This variant has not been reported in the literature in individuals affected with SAMHD1-related conditions. Algorithms developed to predict the effect of missense changes on protein structure and function output the following: SIFT: "Tolerated"; PolyPhen-2: "Benign"; Align-GVGD: "Class C0". The glycine amino acid residue is found in multiple mammalian species, which suggests that this missense change does not adversely affect protein function. In summary, the available evidence is currently insufficient to determine the role of this variant in disease. Therefore, it has been classified as a Variant of Uncertain Significance.